The following is an entry in ClinVar:

NM_003119.4(SPG7):c.1552+205G>A

Gene: SPG7 (SPG7 matrix AAA peptidase subunit, paraplegin; plus strand). Cytogenetic location: 16q24.3.
Variant type: single nucleotide variant.
Coding change: c.1552+205G>A on transcript NM_003119.4 (MANE Select); 205 bases into the intron after coding-DNA position 1552, G replaced by A.
Molecular consequence: intron variant.
Genome position (GRCh38, 1-based): chr16:89,546,965, G>A. VCF-style: chr16-89546965-G-A. GRCh37 (hg19) VCF-style: chr16-89613373-G-A.
Other names: c.1552+205G>A (NM_001363850.1).
Identifiers: ClinVar variation 670128 (VCV000670128.1), dbSNP rs2292952, ClinGen allele CA14273855.
Genomic context (GRCh38, chr16:89,546,965, plus strand): 5'-CTGATGTGTATGTGGGGCAGCAGGAGGTCCAGACGGCACCCGCACTCCGTCCTCCGCCCC[G>A]GGGTGGAAAAGCAGACGGTGGTTCCCGGTCTGTGTTGTTTCCAGAGATAGTGGAGTTATG-3'

ClinVar aggregate classification (germline): Benign (1 of 4 stars; one submission).

Allele frequency attached by ClinVar (database versions not stated): 1000 Genomes Project 0.14657; 1000 Genomes Project 30x 0.14897; TOPMed 0.21650; gnomAD 0.21828 and 0.21945; gnomAD exomes 0.27138.
gnomAD v4.1: 146,503 of 568,216 alleles (26%); highest among the groups gnomAD compares: Middle Eastern, 40%; 21,742 homozygotes.

Submission:

GeneDx
Classification: Benign. Last evaluated: 2018-06-19. Review status: criteria provided, single submitter. Criteria: GeneDx Variant Classification (06012015). Collection method: clinical testing. Allele origin: germline. Affected: yes.
Comment: This variant is considered likely benign or benign based on one or more of the following criteria: it is a conservative change, it occurs at a poorly conserved position in the protein, it is predicted to be benign by multiple in silico algorithms, and/or has population frequency not consistent with disease.